The following is an entry in ClinVar:

ClinVar aggregate classification (germline): Uncertain significance. Review status: criteria provided, multiple submitters, no conflicts (2 of 4 stars). 2 submissions from 2 submitters: Uncertain significance (2). Last evaluated 2022-08-10.

Conditions:
Succinate-semialdehyde dehydrogenase deficiency (SSADHD). Also called: SSADH DEFICIENCY; 4-HYDROXYBUTYRIC ACIDURIA; GABA METABOLIC DEFECT; Succinic Semialdehyde Dehydrogenase Deficiency. Identifiers: Orphanet 22, MedGen C0268631, MONDO:0010083, OMIM 271980.

Allele frequency attached by ClinVar (database versions not stated): TOPMed 0.00002.
gnomAD v4.1: 2 of 1,341,568 alleles (0.00015%); highest among the groups gnomAD compares: Admixed American, 0.0029%; no homozygotes.

Submissions (2):

Labcorp Genetics (formerly Invitae), Labcorp
Classification: Uncertain significance for Succinate-semialdehyde dehydrogenase deficiency. Last evaluated: 2022-08-10. Review status: criteria provided, single submitter. Criteria: Invitae Variant Classification Sherloc (09022015). Collection method: clinical testing. Allele origin: germline.
Comment: This sequence change replaces cysteine, which is neutral and slightly polar, with serine, which is neutral and polar, at codon 10 of the ALDH5A1 protein (p.Cys10Ser). This variant is not present in population databases (gnomAD no frequency). This variant has not been reported in the literature in individuals affected with ALDH5A1-related conditions. ClinVar contains an entry for this variant (Variation ID: 657214). Advanced modeling of protein sequence and biophysical properties (such as structural, functional, and spatial information, amino acid conservation, physicochemical variation, residue mobility, and thermodynamic stability) performed at Invitae indicates that this missense variant is not expected to disrupt ALDH5A1 protein function. In summary, the available evidence is currently insufficient to determine the role of this variant in disease. Therefore, it has been classified as a Variant of Uncertain Significance.

GeneDx
Classification: Uncertain significance. Last evaluated: 2022-04-22. Review status: criteria provided, single submitter. Criteria: GeneDx Variant Classification Process June 2021. Collection method: clinical testing. Allele origin: germline. Affected: yes.
Comment: Not observed at significant frequency in large population cohorts (gnomAD); In silico analysis supports that this missense variant does not alter protein structure/function; Has not been previously published as pathogenic or benign to our knowledge

NM_001080.3(ALDH5A1):c.28T>A (p.Cys10Ser)

Genes: ALDH5A1 (aldehyde dehydrogenase 5 family member A1; plus strand), GPLD1 (glycosylphosphatidylinositol specific phospholipase D1; minus strand), LOC129995978 (ATAC-STARR-seq lymphoblastoid silent region 16989; plus strand). Cytogenetic location: 6p22.3.
Variant type: single nucleotide variant.
Coding change: c.28T>A on transcript NM_001080.3 (MANE Select); coding-DNA position 28, T replaced by A.
Protein change: p.Cys10Ser; replaces cysteine 10 with serine.
Molecular consequence: missense variant.
Genome position (GRCh38, 1-based): chr6:24,495,024, T>A. VCF-style: chr6-24495024-T-A. GRCh37 (hg19) VCF-style: chr6-24495252-T-A.
Other names: c.28T>A, p.Cys10Ser (NM_001368954.1, NM_170740.1); short protein forms C10S.
Identifiers: ClinVar variation 657214 (VCV000657214.7), dbSNP rs1011665766, ClinGen allele CA362968096.